The following is an entry in ClinVar:

NM_025114.4(CEP290):c.6919G>T (p.Glu2307Ter)

Gene: CEP290 (centrosomal protein 290; minus strand). Cytogenetic location: 12q21.32.
Variant type: single nucleotide variant.
Coding change: c.6919G>T on transcript NM_025114.4 (MANE Select); coding-DNA position 6919, G replaced by T.
Protein change: p.Glu2307Ter; replaces glutamic acid 2307 with a stop codon.
Molecular consequence: nonsense.
Genome position (GRCh38, 1-based): chr12:88,055,617, C>A on the plus strand (G>T on the coding strand, the complement: CEP290 is on the minus strand). VCF-style: chr12-88055617-C-A. GRCh37 (hg19) VCF-style: chr12-88449394-C-A.
Other names: short protein forms E2307*.
Identifiers: ClinVar variation 5016122 (VCV005016122.1).
Genomic context (GRCh38, chr12:88,055,617, plus strand): 5'-GAAAAATTACGTTACTTACCTGTTGTTCAAGGTCTTCATTGTATTTGTTAACTTTTTGTT[C>A]TCTCTCTGTTGCTTCTTTTACAAGCTGTTTAAGGTCAGTAATGCTTTGATTTTTTTTGGC-3'

ClinVar aggregate classification (germline): Pathogenic (1 of 4 stars; one submission).

Conditions:
CEP290-related ciliopathy. Also called: CEP290 ciliopathy. Identifiers: MedGen CN305601, MONDO:0100451.

Submission:

Myriad Genetics, Inc.
Classification: Pathogenic for CEP290-related ciliopathy. Last evaluated: 2026-07-12. Review status: criteria provided, single submitter. Criteria: Myriad Autosomal Dominant, Autosomal Recessive and X-Linked Classification Criteria (2023). Collection method: clinical testing. Allele origin: unknown.
Comment: NM_025114.3(CEP290):c.6919G>T(E2307*) is expected to be pathogenic in the context of CEP290-related disorders. This variant is predicted to lead to an abnormal or absent protein product due to the creation of a premature termination codon in CEP290, a gene where loss-of-function variants are known to be pathogenic. Please note: this variant was assessed in the context of healthy population screening.